The following is an entry in ClinVar:

ClinVar aggregate classification (germline): Uncertain significance. Review status: criteria provided, single submitter (1 of 4 stars). 2 submissions from 2 submitters: Uncertain significance (1). 1 of the submissions does not count toward it. Last evaluated 2023-07-18.

Conditions:
PRKAR1A-related disorder. Also called: PRKAR1A-related condition.
Hereditary cancer-predisposing syndrome. Also called: Tumor predisposition; Hereditary Cancer Syndrome; Hereditary neoplastic syndrome; Neoplastic Syndromes, Hereditary. Identifiers: Orphanet 140162, MedGen C0027672, MeSH D009386, MONDO:0015356.

Submissions (2):

Ambry Genetics
Classification: Uncertain significance for Hereditary cancer-predisposing syndrome. Last evaluated: 2023-07-18. Review status: criteria provided, single submitter. Criteria: Ambry Variant Classification Scheme 2023. Collection method: clinical testing. Allele origin: germline.
Comment: The c.891+2T>C intronic variant results from a T to C substitution two nucleotides after coding exon 8 in the PRKAR1A gene. This nucleotide position is highly conserved in available vertebrate species. In silico splice site analysis predicts that this alteration will weaken the native splice donor site and will result in the creation or strengthening of a novel splice donor site. RNA studies have demonstrated that this alteration results in an incomplete splice defect; the clinical impact of this abnormal splicing is unknown at this time (Ambry internal data). Alterations that disrupt the canonical splice site are expected to cause aberrant splicing, resulting in an abnormal protein or a transcript that is subject to nonsense-mediated mRNA decay; however, +2T>C alterations are capable of generating wild-type transcripts in some genomic contexts and should be interpreted with caution (Lin JH et al. Hum Mutat. 2019 10;40:1856-1873). Since supporting evidence is limited at this time, the clinical significance of this alteration remains unclear.

PreventionGenetics, part of Exact Sciences
Classification: Likely pathogenic for PRKAR1A-related condition. Last evaluated: 2024-08-07. Review status: no assertion criteria provided. Collection method: clinical testing. Allele origin: germline. Not counted in ClinVar's aggregate classification.
Comment: The PRKAR1A c.891+2T>C variant is predicted to disrupt the GT donor site and interfere with normal splicing. To our knowledge, this variant has not been reported in the literature or in a large population database, indicating this variant is rare. Variants that disrupt the consensus splice donor site in PRKAR1A are expected to be pathogenic. This variant is interpreted as likely pathogenic.

NM_002734.5(PRKAR1A):c.891+2T>C

Gene: PRKAR1A (protein kinase cAMP-dependent type I regulatory subunit alpha; plus strand). Cytogenetic location: 17q24.2.
Variant type: single nucleotide variant.
Coding change: c.891+2T>C on transcript NM_002734.5 (MANE Select); the canonical splice donor site of the intron after coding-DNA position 891, T replaced by C.
Molecular consequence: splice donor variant.
Genome position (GRCh38, 1-based): chr17:68,528,993, T>C. VCF-style: chr17-68528993-T-C. GRCh37 (hg19) VCF-style: chr17-66525134-T-C.
Other names: c.891+2T>C (NM_001278433.2, NM_001369389.1, NM_212471.3 and 5 more transcripts).
Identifiers: ClinVar variation 2625067 (VCV002625067.3), dbSNP rs2509438244, ClinGen allele CA400754068.